The following is an entry in ClinVar:

ClinVar aggregate classification (germline): Benign. Review status: criteria provided, multiple submitters, no conflicts (2 of 4 stars). 2 submissions from 2 submitters: Benign (2). Last evaluated 2016-03-28.

Allele frequency attached by ClinVar (database versions not stated): 1000 Genomes Project 30x 0.01421; gnomAD 0.01998 and 0.02062; ExAC 0.02592.

Submissions (2):

Laboratory for Molecular Medicine, Mass General Brigham Personalized Medicine
Classification: Benign. Last evaluated: 2016-03-28. Review status: criteria provided, single submitter. Criteria: LMM Criteria. Collection method: clinical testing. Allele origin: germline.
Comment: Variant identified in a genome or exome case(s) and assessed due to predicted null impact of the variant or pathogenic assertions in the literature or databases. Disclaimer: This variant has not undergone full assessment. The following are preliminary notes: Frequency

Breakthrough Genomics
Classification: Benign. Review status: criteria provided, single submitter. Criteria: ACMG Guidelines, 2015. Collection method: not provided. Allele origin: germline. Inheritance: Autosomal dominant inheritance. Affected: yes.

NM_002458.3(MUC5B):c.13751C>T (p.Thr4584Ile)

Gene: MUC5B (mucin 5B, oligomeric mucus/gel-forming; plus strand). Cytogenetic location: 11p15.5.
Variant type: single nucleotide variant.
Coding change: c.13751C>T on transcript NM_002458.3 (MANE Select); coding-DNA position 13751, C replaced by T.
Protein change: p.Thr4584Ile; replaces threonine 4584 with isoleucine.
Molecular consequence: missense variant.
Genome position (GRCh38, 1-based): chr11:1,250,631, C>T. VCF-style: chr11-1250631-C-T. GRCh37 (hg19) VCF-style: chr11-1271861-C-T.
Other names: short protein forms T4584I.
Identifiers: ClinVar variation 403177 (VCV000403177.5), dbSNP rs201778566, ClinGen allele CA5808413.